The following is an entry in ClinVar:

ClinVar aggregate classification (germline): Uncertain significance (1 of 4 stars; one submission).

Conditions:
Neurofibromatosis, type 1 (NF1). Also called: VON RECKLINGHAUSEN DISEASE; Peripheral type neurofibromatosis; NEUROFIBROMATOSIS, TYPE I, SOMATIC; Neurofibromatosis, type I. Identifiers: Orphanet 636, MedGen C0027831, MONDO:0018975, OMIM 162200. Disease mechanism: loss of function.

Submission:

Labcorp Genetics (formerly Invitae), Labcorp
Classification: Uncertain significance for Neurofibromatosis, type 1. Last evaluated: 2024-05-14. Review status: criteria provided, single submitter. Criteria: Invitae Variant Classification Sherloc (09022015). Collection method: clinical testing. Allele origin: germline.
Comment: This sequence change replaces leucine, which is neutral and non-polar, with histidine, which is basic and polar, at codon 1521 of the NF1 protein (p.Leu1521His). This variant is not present in population databases (gnomAD no frequency). This variant has not been reported in the literature in individuals affected with NF1-related conditions. Advanced modeling of protein sequence and biophysical properties (such as structural, functional, and spatial information, amino acid conservation, physicochemical variation, residue mobility, and thermodynamic stability) performed at Invitae indicates that this missense variant is expected to disrupt NF1 protein function with a positive predictive value of 95%. In summary, the available evidence is currently insufficient to determine the role of this variant in disease. Therefore, it has been classified as a Variant of Uncertain Significance.

NM_001042492.3(NF1):c.4625T>A (p.Leu1542His)

Gene: NF1 (neurofibromin 1; plus strand). Cytogenetic location: 17q11.2.
Variant type: single nucleotide variant.
Coding change: c.4625T>A on transcript NM_001042492.3 (MANE Select); coding-DNA position 4625, T replaced by A.
Protein change: p.Leu1542His; replaces leucine 1542 with histidine.
Molecular consequence: missense variant.
Genome position (GRCh38, 1-based): chr17:31,261,758, T>A. VCF-style: chr17-31261758-T-A. GRCh37 (hg19) VCF-style: chr17-29588776-T-A.
Other names: c.4562T>A, p.Leu1521His (NM_000267.4); short protein forms L1521H, L1542H.
Identifiers: ClinVar variation 3634560 (VCV003634560.2).